The following is an entry in ClinVar:

NM_006939.4(SOS2):c.2857T>A (p.Leu953Ile)

Gene: SOS2 (SOS Ras/Rho guanine nucleotide exchange factor 2; minus strand). Cytogenetic location: 14q21.3.
Variant type: single nucleotide variant.
Coding change: c.2857T>A on transcript NM_006939.4 (MANE Select); coding-DNA position 2857, T replaced by A.
Protein change: p.Leu953Ile; replaces leucine 953 with isoleucine.
Molecular consequence: missense variant.
Genome position (GRCh38, 1-based): chr14:50,138,713, A>T on the plus strand (T>A on the coding strand, the complement: SOS2 is on the minus strand). VCF-style: chr14-50138713-A-T. GRCh37 (hg19) VCF-style: chr14-50605431-A-T.
Other names: c.2758T>A, p.Leu920Ile (NM_001411020.1); short protein forms L953I, L920I.
Identifiers: ClinVar variation 2854092 (VCV002854092.3), dbSNP rs1309579499, ClinGen allele CA389642414.
Genomic context (GRCh38, chr14:50,138,713, plus strand): 5'-GATACTGCTGAATTTCTCCAGTAATTTCAGCTACTTTCCTCCTCTTACTGAAATTGATTA[A>T]ATCTTTCCCTTTCTTTTTTAAAAAATCATTATTCCCTTCTTCGGTCTTCAGAATATTTGT-3'
Protein context (NP_008870.2, residues 943-963): NDFLKKKGKD[Leu953Ile]INFSKRRKVA

ClinVar aggregate classification (germline): Uncertain significance (1 of 4 stars; one submission).

Conditions:
Noonan syndrome 9 (NS9). Identifiers: Orphanet 648, MedGen C4225282, MONDO:0014691, OMIM 616559.

Allele frequency attached by ClinVar (database versions not stated): gnomAD exomes below 0.00001.
gnomAD v4.1: 1 of 1,379,002 alleles (0.000073%); highest among the groups gnomAD compares: African/African-American, 0.0014%; no homozygotes.

Submission:

Labcorp Genetics (formerly Invitae), Labcorp
Classification: Uncertain significance for Noonan syndrome 9. Last evaluated: 2023-04-09. Review status: criteria provided, single submitter. Criteria: Invitae Variant Classification Sherloc (09022015). Collection method: clinical testing. Allele origin: germline.
Comment: In summary, the available evidence is currently insufficient to determine the role of this variant in disease. Therefore, it has been classified as a Variant of Uncertain Significance. Advanced modeling of protein sequence and biophysical properties (such as structural, functional, and spatial information, amino acid conservation, physicochemical variation, residue mobility, and thermodynamic stability) performed at Invitae indicates that this missense variant is not expected to disrupt SOS2 protein function. This variant has not been reported in the literature in individuals affected with SOS2-related conditions. This variant is not present in population databases (gnomAD no frequency). This sequence change replaces leucine, which is neutral and non-polar, with isoleucine, which is neutral and non-polar, at codon 953 of the SOS2 protein (p.Leu953Ile).